The following is an entry in ClinVar:

NM_006383.4(CIB2):c.4G>A (p.Gly2Arg)

Genes: CIB2 (calcium and integrin binding family member 2; minus strand), LOC130057683 (ATAC-STARR-seq lymphoblastoid silent region 6705; plus strand). Cytogenetic location: 15q25.1.
Variant type: single nucleotide variant.
Coding change: c.4G>A on transcript NM_006383.4 (MANE Select); coding-DNA position 4, G replaced by A.
Protein change: p.Gly2Arg; replaces glycine 2 with arginine.
Molecular consequence: missense variant. On other transcripts: 5 prime UTR variant (1), non-coding transcript variant (1).
Genome position (GRCh38, 1-based): chr15:78,131,212, C>T on the plus strand (G>A on the coding strand, the complement: CIB2 is on the minus strand). VCF-style: chr15-78131212-C-T. GRCh37 (hg19) VCF-style: chr15-78423554-C-T.
Other names: c.-91G>A (NM_001271888.2); c.4G>A, p.Gly2Arg (NM_001271889.2, NM_001301224.2); short protein forms G2R.
Identifiers: ClinVar variation 1376784 (VCV001376784.6), dbSNP rs1161407918, ClinGen allele CA393552040.

ClinVar aggregate classification (germline): Uncertain significance (1 of 4 stars; one submission).

Allele frequency attached by ClinVar (database versions not stated): gnomAD exomes 0.00001.
gnomAD v4.1: 3 of 1,526,376 alleles (0.0002%); highest among the groups gnomAD compares: Non-Finnish European, 0.00026%; no homozygotes.

Submission:

Labcorp Genetics (formerly Invitae), Labcorp
Classification: Uncertain significance. Last evaluated: 2021-03-25. Review status: criteria provided, single submitter. Criteria: Invitae Variant Classification Sherloc (09022015). Collection method: clinical testing. Allele origin: germline.
Comment: In summary, the available evidence is currently insufficient to determine the role of this variant in disease. Therefore, it has been classified as a Variant of Uncertain Significance. Algorithms developed to predict the effect of missense changes on protein structure and function are either unavailable or do not agree on the potential impact of this missense change (SIFT: "Not Available"; PolyPhen-2: "Probably Damaging"; Align-GVGD: "Not Available"). This variant has not been reported in the literature in individuals with CIB2-related conditions. This variant is not present in population databases (ExAC no frequency). This sequence change replaces glycine with arginine at codon 2 of the CIB2 protein (p.Gly2Arg). The glycine residue is highly conserved and there is a moderate physicochemical difference between glycine and arginine.